The following is an entry in ClinVar:

NM_004104.5(FASN):c.3477G>A (p.Met1159Ile)

Gene: FASN (fatty acid synthase; minus strand). Cytogenetic location: 17q25.3.
Variant type: single nucleotide variant.
Coding change: c.3477G>A on transcript NM_004104.5 (MANE Select); coding-DNA position 3477, G replaced by A.
Protein change: p.Met1159Ile; replaces methionine 1159 with isoleucine.
Molecular consequence: missense variant.
Genome position (GRCh38, 1-based): chr17:82,086,509, C>T on the plus strand (G>A on the coding strand, the complement: FASN is on the minus strand). VCF-style: chr17-82086509-C-T. GRCh37 (hg19) VCF-style: chr17-80044385-C-T.
Other names: short protein forms M1159I.
Identifiers: ClinVar variation 842021 (VCV000842021.8), dbSNP rs770326601, ClinGen allele CA8852357.

ClinVar aggregate classification (germline): Uncertain significance (1 of 4 stars; one submission).

Conditions:
Epileptic encephalopathy. Identifiers: MedGen C0543888, HP:0200134.

Allele frequency attached by ClinVar (database versions not stated): ExAC 0.00001; TOPMed 0.00001; gnomAD exomes 0.00002; gnomAD 0.00003 and 0.00004.

Submission:

Labcorp Genetics (formerly Invitae), Labcorp
Classification: Uncertain significance for Epileptic encephalopathy. Last evaluated: 2023-07-09. Review status: criteria provided, single submitter. Criteria: Invitae Variant Classification Sherloc (09022015). Collection method: clinical testing. Allele origin: germline.
Comment: This variant is present in population databases (rs770326601, gnomAD 0.02%). This sequence change replaces methionine, which is neutral and non-polar, with isoleucine, which is neutral and non-polar, at codon 1159 of the FASN protein (p.Met1159Ile). In summary, the available evidence is currently insufficient to determine the role of this variant in disease. Therefore, it has been classified as a Variant of Uncertain Significance. An algorithm developed to predict the effect of missense changes on protein structure and function (PolyPhen-2) suggests that this variant¬†is likely to be tolerated. ClinVar contains an entry for this variant (Variation ID: 842021). This variant has not been reported in the literature in individuals affected with FASN-related conditions.